The following is an entry in ClinVar:

ClinVar aggregate classification (germline): Uncertain significance (1 of 4 stars; one submission).

Submission:

GeneDx
Classification: Uncertain significance. Last evaluated: 2026-01-21. Review status: criteria provided, single submitter. Criteria: GeneDx Variant Classification Process June 2021. Collection method: clinical testing. Allele origin: germline.
Comment: Not observed at significant frequency in large population cohorts (gnomAD); In silico analysis suggests that this missense variant does not alter protein structure/function; Has not been previously published as pathogenic or benign to our knowledge

NM_006939.4(SOS2):c.3513T>G (p.Asp1171Glu)

Gene: SOS2 (SOS Ras/Rho guanine nucleotide exchange factor 2; minus strand). Cytogenetic location: 14q21.3.
Variant type: single nucleotide variant.
Coding change: c.3513T>G on transcript NM_006939.4 (MANE Select); coding-DNA position 3513, T replaced by G.
Protein change: p.Asp1171Glu; replaces aspartic acid 1171 with glutamic acid.
Molecular consequence: missense variant.
Genome position (GRCh38, 1-based): chr14:50,118,830, A>C on the plus strand (T>G on the coding strand, the complement: SOS2 is on the minus strand). VCF-style: chr14-50118830-A-C. GRCh37 (hg19) VCF-style: chr14-50585548-A-C.
Other names: c.3414T>G, p.Asp1138Glu (NM_001411020.1); short protein forms D1138E, D1171E.
Identifiers: ClinVar variation 2499265 (VCV002499265.2), dbSNP rs759624286, ClinGen allele CA389638759.
Genomic context (GRCh38, chr14:50,118,830, plus strand): 5'-AACAGGAACTCTGGGTTTTACCTTTGGAGGAGGAGGCTGTCTCGGTGGAATAGCAGGAGG[A>C]TCATCATCAGATTTCATATTTCCCTCAAAAAAAAAAGTAATTAAATTATACCTCTATTCT-3'
Protein context (NP_008870.2, residues 1161-1181): NSKGNMKSDD[Asp1171Glu]PPAIPPRQPP